The following is an entry in ClinVar:

NM_005592.4(MUSK):c.1555C>T (p.Arg519Ter)

Gene: MUSK (muscle associated receptor tyrosine kinase; plus strand). Cytogenetic location: 9q31.3.
Variant type: single nucleotide variant.
Coding change: c.1555C>T on transcript NM_005592.4 (MANE Select); coding-DNA position 1555, C replaced by T.
Protein change: p.Arg519Ter; replaces arginine 519 with a stop codon.
Molecular consequence: nonsense.
Genome position (GRCh38, 1-based): chr9:110,784,985, C>T. VCF-style: chr9-110784985-C-T. GRCh37 (hg19) VCF-style: chr9-113547265-C-T.
Other names: c.1297C>T, p.Arg433Ter (NM_001166280.2); c.1267C>T, p.Arg423Ter (NM_001166281.2); c.295C>T, p.Arg99Ter (NM_001369398.1); short protein forms R99*, R519*, R423*, R433*.
Identifiers: ClinVar variation 2080073 (VCV002080073.4), dbSNP rs2491147739, ClinGen allele CA374475403.
Genomic context (GRCh38, chr9:110,784,985, plus strand): 5'-TCCATCATGTCCAGCTTTGCAATATTTGTGCTTCTTACCATAACTACTCTCTATTGCTGC[C>T]GAAGAAGAAAACAATGGAAAAATAAGAAAAGGTGAGATTCTAGTTTCAGCTAACCATGTG-3'

ClinVar aggregate classification (germline): Pathogenic (1 of 4 stars; one submission).

Conditions:
Fetal akinesia deformation sequence 1 (FADS1). Also called: Pena-Shokeir syndrome type I; Fetal akinesia sequence. Identifiers: Orphanet 994, MedGen C1276035, MONDO:0100101, OMIM 208150, HP:0001989.
Congenital myasthenic syndrome 9. Also called: Myasthenic syndrome, congenital, 9, associated with acetylcholine receptor deficiency. Identifiers: Orphanet 590, MedGen C4225368, MONDO:0014587, OMIM 616325.

gnomAD v4.1: 8 of 1,613,364 alleles (0.0005%); highest among the groups gnomAD compares: Non-Finnish European, 0.00059%; no homozygotes.

Submission:

Labcorp Genetics (formerly Invitae), Labcorp
Classification: Pathogenic for Congenital myasthenic syndrome 9; Fetal akinesia deformation sequence 1. Last evaluated: 2025-07-03. Review status: criteria provided, single submitter. Criteria: Invitae Variant Classification Sherloc (09022015). Collection method: clinical testing. Allele origin: germline.
Comment: This sequence change creates a premature translational stop signal (p.Arg519*) in the MUSK gene. It is expected to result in an absent or disrupted protein product. Loss-of-function variants in MUSK are known to be pathogenic (PMID: 8653786, 25612909, 25695962, 25900532). This variant is not present in population databases (gnomAD no frequency). This variant has not been reported in the literature in individuals affected with MUSK-related conditions. ClinVar contains an entry for this variant (Variation ID: 2080073). For these reasons, this variant has been classified as Pathogenic.

Literature cited by the submitters: PubMed 8653786; PubMed 25612909; PubMed 25695962; PubMed 25900532.